The following is an entry in ClinVar:

ClinVar aggregate classification (germline): Conflicting classifications of pathogenicity. Review status: criteria provided, conflicting classifications (1 of 4 stars). 3 submissions from 3 submitters: Uncertain significance (1); Likely benign (2). Last evaluated 2026-01-26.

Conditions:
ADGRV1-related disorder. Also called: ADGRV1-related disorders; ADGRV1-related condition.

Allele frequency attached by ClinVar (database versions not stated): gnomAD 0.00001 and 0.00002; gnomAD exomes 0.00001; TOPMed 0.00001; ExAC 0.00002.
gnomAD v4.1: 19 of 1,612,576 alleles (0.0012%); highest among the groups gnomAD compares: South Asian, 0.0077%; no homozygotes.

Submissions (3):

Labcorp Genetics (formerly Invitae), Labcorp
Classification: Likely benign. Last evaluated: 2026-01-26. Review status: criteria provided, single submitter. Criteria: Invitae Variant Classification Sherloc (09022015). Collection method: clinical testing. Allele origin: germline.

PreventionGenetics, part of Exact Sciences
Classification: Uncertain significance for ADGRV1-related condition. Last evaluated: 2025-12-14. Review status: criteria provided, single submitter. Criteria: ACMG Guidelines, 2015. Collection method: clinical testing. Allele origin: germline.
Comment: The ADGRV1 c.13579A>G variant is predicted to result in the amino acid substitution p.Ile4527Val. To our knowledge, this variant has not been reported in the literature. This variant is reported in 0.0066% of alleles in individuals of South Asian descent in gnomAD. At this time, the clinical significance of this variant is uncertain due to the absence of conclusive functional and genetic evidence.

Laboratory for Molecular Medicine, Mass General Brigham Personalized Medicine
Classification: Likely benign. Last evaluated: 2018-05-18. Review status: criteria provided, single submitter. Criteria: LMM Criteria. Collection method: clinical testing. Allele origin: germline. Observed: 1 variant allele.
Comment: p.Ile4527Val in exon 67 of ADGRV1: This variant is not expected to have clinical significance due to a lack of conservation across species, including mammals. O f note, more than 10 mammals have a Valine (Val) at this position despite high n earby amino acid conservation. In addition, computational prediction tools do no t suggest a high likelihood of impact to the protein. ACMG/AMP criteria applied: BP4_Strong.

NM_032119.4(ADGRV1):c.13579A>G (p.Ile4527Val)

Gene: ADGRV1 (adhesion G protein-coupled receptor V1; plus strand). Cytogenetic location: 5q14.3.
Variant type: single nucleotide variant.
Coding change: c.13579A>G on transcript NM_032119.4 (MANE Select); coding-DNA position 13579, A replaced by G.
Protein change: p.Ile4527Val; replaces isoleucine 4527 with valine.
Molecular consequence: missense variant. On other transcripts: non-coding transcript variant (1).
Genome position (GRCh38, 1-based): chr5:90,783,983, A>G. VCF-style: chr5-90783983-A-G. GRCh37 (hg19) VCF-style: chr5-90079800-A-G.
Other names: short protein forms I4527V.
Identifiers: ClinVar variation 666650 (VCV000666650.11), dbSNP rs777190245, ClinGen allele CA3341556.
Genomic context (GRCh38, chr5:90,783,983, plus strand): 5'-ATAGCTAAGAGTGACTCTCCCTTTGGAGTTATAAGGTTTCTCAATCAAAGCAAAATTTCT[A>G]TTGCTAATCCCAATTCCACAATGATTTTATCACTGGTGCTGGAGCGGACTGGAGGACTCT-3'
Protein context (NP_115495.3, residues 4517-4537): IRFLNQSKIS[Ile4527Val]ANPNSTMILS